The following is an entry in ClinVar:

NM_002495.4(NDUFS4):c.356A>G (p.Asp119Gly)

Gene: NDUFS4 (NADH:ubiquinone oxidoreductase subunit S4; plus strand). Cytogenetic location: 5q11.2.
Variant type: single nucleotide variant.
Coding change: c.356A>G on transcript NM_002495.4 (MANE Select); coding-DNA position 356, A replaced by G.
Protein change: p.Asp119Gly; replaces aspartic acid 119 with glycine.
Molecular consequence: missense variant. On other transcripts: non-coding transcript variant (3), intron variant (1).
Genome position (GRCh38, 1-based): chr5:53,658,556, A>G. VCF-style: chr5-53658556-A-G. GRCh37 (hg19) VCF-style: chr5-52954386-A-G.
Other names: c.350+12151A>G (NM_001318051.2); c.356A>G (NM_002495.2); short protein forms D119G.
Identifiers: ClinVar variation 2011619 (VCV002011619.5), dbSNP rs2478814981, ClinGen allele CA359719121.

ClinVar aggregate classification (germline): Uncertain significance. Review status: criteria provided, multiple submitters, no conflicts (2 of 4 stars). 2 submissions from 2 submitters: Uncertain significance (2). Last evaluated 2023-12-28.

Conditions:
Inborn genetic diseases. Identifiers: MedGen C0950123, MeSH D030342.

Submissions (2):

Ambry Genetics
Classification: Uncertain significance for Inborn genetic diseases. Last evaluated: 2023-12-28. Review status: criteria provided, single submitter. Criteria: Ambry Variant Classification Scheme 2023. Collection method: clinical testing. Allele origin: germline.

Labcorp Genetics (formerly Invitae), Labcorp
Classification: Uncertain significance. Last evaluated: 2022-07-03. Review status: criteria provided, single submitter. Criteria: Invitae Variant Classification Sherloc (09022015). Collection method: clinical testing. Allele origin: germline.
Comment: This variant has not been reported in the literature in individuals affected with NDUFS4-related conditions. Algorithms developed to predict the effect of missense changes on protein structure and function are either unavailable or do not agree on the potential impact of this missense change (SIFT: "Not Available"; PolyPhen-2: "Probably Damaging"; Align-GVGD: "Not Available"). In summary, the available evidence is currently insufficient to determine the role of this variant in disease. Therefore, it has been classified as a Variant of Uncertain Significance. This sequence change replaces aspartic acid, which is acidic and polar, with glycine, which is neutral and non-polar, at codon 119 of the NDUFS4 protein (p.Asp119Gly). This variant is not present in population databases (gnomAD no frequency).